The following is an entry in ClinVar:

NM_006348.5(COG5):c.442A>G (p.Ile148Val)

Gene: COG5 (component of oligomeric golgi complex 5; minus strand). Cytogenetic location: 7q22.3.
Variant type: single nucleotide variant.
Coding change: c.442A>G on transcript NM_006348.5 (MANE Select); coding-DNA position 442, A replaced by G.
Protein change: p.Ile148Val; replaces isoleucine 148 with valine.
Molecular consequence: missense variant. On other transcripts: intron variant (1).
Genome position (GRCh38, 1-based): chr7:107,527,333, T>C on the plus strand (A>G on the coding strand, the complement: COG5 is on the minus strand). VCF-style: chr7-107527333-T-C. GRCh37 (hg19) VCF-style: chr7-107167778-T-C.
Other names: c.442A>G, p.Ile148Val (NM_001161520.2, NM_001379511.1, NM_001379512.1 and 4 more transcripts); c.234+30643A>G (NM_001379516.1); short protein forms I148V.
Identifiers: ClinVar variation 2127798 (VCV002127798.4), dbSNP rs2535531772, ClinGen allele CA368828165.

ClinVar aggregate classification (germline): Uncertain significance (1 of 4 stars; one submission).

Conditions:
COG5-congenital disorder of glycosylation. Also called: CDG IIi; CONGENITAL DISORDER OF GLYCOSYLATION, TYPE IIi; COG5-CDG. Identifiers: Orphanet 263487, MedGen C3150876, MONDO:0013325, OMIM 613612.

Submission:

Labcorp Genetics (formerly Invitae), Labcorp
Classification: Uncertain significance for COG5-congenital disorder of glycosylation. Last evaluated: 2023-08-10. Review status: criteria provided, single submitter. Criteria: Invitae Variant Classification Sherloc (09022015). Collection method: clinical testing. Allele origin: germline.
Comment: An algorithm developed to predict the effect of missense changes on protein structure and function (PolyPhen-2) suggests that this variant is likely to be tolerated. ClinVar contains an entry for this variant (Variation ID: 2127798). This variant has not been reported in the literature in individuals affected with COG5-related conditions. This variant is not present in population databases (gnomAD no frequency). This sequence change replaces isoleucine, which is neutral and non-polar, with valine, which is neutral and non-polar, at codon 179 of the COG5 protein (p.Ile179Val). In summary, the available evidence is currently insufficient to determine the role of this variant in disease. Therefore, it has been classified as a Variant of Uncertain Significance.